The following is an entry in ClinVar:

NM_001164277.2(SLC37A4):c.788G>A (p.Ser263Asn)

Gene: SLC37A4 (solute carrier family 37 member 4; minus strand). Cytogenetic location: 11q23.3.
Variant type: single nucleotide variant.
Coding change: c.788G>A on transcript NM_001164277.2 (MANE Select); coding-DNA position 788, G replaced by A.
Protein change: p.Ser263Asn; replaces serine 263 with asparagine.
Molecular consequence: missense variant.
Genome position (GRCh38, 1-based): chr11:119,026,685, C>T on the plus strand (G>A on the coding strand, the complement: SLC37A4 is on the minus strand). VCF-style: chr11-119026685-C-T. GRCh37 (hg19) VCF-style: chr11-118897395-C-T.
Other names: NM_001467.4:c.788G>A; c.788G>A, p.Ser263Asn (NM_001164278.2, NM_001164280.2, NM_001467.6); c.569G>A, p.Ser190Asn (NM_001164279.2); short protein forms S190N, S263N.
Identifiers: ClinVar variation 1708171 (VCV001708171.2), dbSNP rs2497021163, ClinGen allele CA382900642.

ClinVar aggregate classification (germline): Likely pathogenic (1 of 4 stars; one submission).

Conditions:
Glucose-6-phosphate transport defect (GSD1B). Also called: Glycogen Storage Disease Type Ib; GSD Ib. Identifiers: Orphanet 364, Orphanet 79259, MedGen C0268146, MONDO:0009288, OMIM 232220.

Submission:

Laboratory of Functional Genomics, Research Centre for Medical Genetics
Classification: Likely pathogenic for Glucose-6-phosphate transport defect. Review status: criteria provided, single submitter. Criteria: ACMG Guidelines, 2015. Collection method: research. Allele origin: maternal. Inheritance: Autosomal recessive inheritance. Affected: yes. Observed: 1 compound heterozygote.
Comment: PM2, PM5, PM1, PM3, PP4